The following is an entry in ClinVar:

NM_001348716.2(KDM6B):c.718C>T (p.Leu240Phe)

Gene: KDM6B (lysine demethylase 6B; plus strand). Cytogenetic location: 17p13.1.
Variant type: single nucleotide variant.
Coding change: c.718C>T on transcript NM_001348716.2 (MANE Select); coding-DNA position 718, C replaced by T.
Protein change: p.Leu240Phe; replaces leucine 240 with phenylalanine.
Molecular consequence: missense variant.
Genome position (GRCh38, 1-based): chr17:7,846,825, C>T. VCF-style: chr17-7846825-C-T. GRCh37 (hg19) VCF-style: chr17-7750143-C-T.
Other names: c.718C>T, p.Leu240Phe (NM_001080424.2); short protein forms L240F.
Identifiers: ClinVar variation 4084693 (VCV004084693.8).
Genomic context (GRCh38, chr17:7,846,825, plus strand): 5'-GCAGTAAGTAGGCAGGACTTGGGAATGGGATTCTCACACTCTCTTCTCTCCTAGACTGGC[C>T]TTCCCCCAGGGCTGCCACTGCCTCCACCACCATTACCACCACCACCACCACCACCACCAC-3'
Protein context (NP_001335645.1, residues 230-250): RRGCNSEQTG[Leu240Phe]PPGLPLPPPP

ClinVar aggregate classification (germline): Uncertain significance (1 of 4 stars; one submission).

Submission:

CeGaT Center for Human Genetics Tuebingen
Classification: Uncertain significance. Last evaluated: 2025-07-01. Review status: criteria provided, single submitter. Criteria: CeGaT Center For Human Genetics Tuebingen Variant Classification Criteria Version 2. Collection method: clinical testing. Allele origin: germline. Affected: yes. Observed: 1 variant allele.
Comment: KDM6B: PM2